The following is an entry in ClinVar:

ClinVar aggregate classification (germline): Uncertain significance. Review status: criteria provided, multiple submitters, no conflicts (2 of 4 stars). 3 submissions from 3 submitters: Uncertain significance (3). Last evaluated 2025-01-27.

Conditions:
Cardiovascular phenotype. Identifiers: MedGen CN230736.
Naxos disease (NXD). Also called: KERATOSIS PALMOPLANTARIS WITH ARRHYTHMOGENIC CARDIOMYOPATHY; MAL DE NAXOS; CARDIOMYOPATHY, ARRHYTHMOGENIC RIGHT VENTRICULAR, WITH SKIN, HAIR, AND NAIL ABNORMALITIES; PALMOPLANTAR KERATODERMA WITH ARRHYTHMOGENIC RIGHT VENTRICULAR CARDIOMYOPATHY AND WOOLLY HAIR; WOOLLY HAIR, PALMOPLANTAR KERATODERMA, AND CARDIAC ABNORMALITIES. Identifiers: Orphanet 34217, MedGen C1832600, MONDO:0011017, OMIM 601214.
Arrhythmogenic right ventricular dysplasia 12. Also called: ARRHYTHMOGENIC RIGHT VENTRICULAR DYSPLASIA, FAMILIAL, 12. Identifiers: MedGen C1969081, MONDO:0012684, OMIM 611528.

Allele frequency attached by ClinVar (database versions not stated): gnomAD exomes below 0.00001.
gnomAD v4.1: 5 of 1,592,210 alleles (0.00031%); highest among the groups gnomAD compares: Middle Eastern, 0.017%; no homozygotes.

Submissions (3):

Labcorp Genetics (formerly Invitae), Labcorp
Classification: Uncertain significance for Arrhythmogenic right ventricular dysplasia 12; Naxos disease. Last evaluated: 2025-01-27. Review status: criteria provided, single submitter. Criteria: Invitae Variant Classification Sherloc (09022015). Collection method: clinical testing. Allele origin: germline.
Comment: This sequence change replaces methionine, which is neutral and non-polar, with valine, which is neutral and non-polar, at codon 743 of the JUP protein (p.Met743Val). This variant is not present in population databases (gnomAD no frequency). This variant has not been reported in the literature in individuals affected with JUP-related conditions. ClinVar contains an entry for this variant (Variation ID: 1016429). An algorithm developed to predict the effect of missense changes on protein structure and function (PolyPhen-2) suggests that this variant is likely to be tolerated. In summary, the available evidence is currently insufficient to determine the role of this variant in disease. Therefore, it has been classified as a Variant of Uncertain Significance.

Ambry Genetics
Classification: Uncertain significance for Cardiovascular phenotype. Last evaluated: 2022-05-30. Review status: criteria provided, single submitter. Criteria: Ambry Variant Classification Scheme 2023. Collection method: clinical testing. Allele origin: germline.
Comment: The p.M743V variant (also known as c.2227A>G), located in coding exon 13 of the JUP gene, results from an A to G substitution at nucleotide position 2227. The methionine at codon 743 is replaced by valine, an amino acid with highly similar properties. This amino acid position is conserved. In addition, this alteration is predicted to be tolerated by in silico analysis. Since supporting evidence is limited at this time, the clinical significance of this alteration remains unclear.

Fulgent Genetics
Classification: Uncertain significance for Naxos disease; Arrhythmogenic right ventricular dysplasia 12. Last evaluated: 2021-08-13. Review status: criteria provided, single submitter. Criteria: ACMG Guidelines, 2015. Collection method: clinical testing. Allele origin: unknown.

NM_002230.4(JUP):c.2227A>G (p.Met743Val)

Gene: JUP (junction plakoglobin; minus strand). Cytogenetic location: 17q21.2.
Variant type: single nucleotide variant.
Coding change: c.2227A>G on transcript NM_002230.4 (MANE Select); coding-DNA position 2227, A replaced by G.
Protein change: p.Met743Val; replaces methionine 743 with valine.
Molecular consequence: missense variant.
Genome position (GRCh38, 1-based): chr17:41,755,755, T>C on the plus strand (A>G on the coding strand, the complement: JUP is on the minus strand). VCF-style: chr17-41755755-T-C. GRCh37 (hg19) VCF-style: chr17-39912007-T-C.
Other names: c.2227A>G, p.Met743Val (NM_001352773.2, NM_001352774.2, NM_001352775.2 and 3 more transcripts); short protein forms M743V.
Identifiers: ClinVar variation 1016429 (VCV001016429.11), dbSNP rs1913591137, ClinGen allele CA399490218.